The following is an entry in ClinVar:

NM_198904.4(GABRG2):c.944T>C (p.Met315Thr)

Gene: GABRG2 (gamma-aminobutyric acid type A receptor subunit gamma2; plus strand). Cytogenetic location: 5q34.
Variant type: single nucleotide variant.
Coding change: c.944T>C on transcript NM_198904.4 (MANE Select); coding-DNA position 944, T replaced by C.
Protein change: p.Met315Thr; replaces methionine 315 with threonine.
Molecular consequence: missense variant. On other transcripts: intron variant (1).
Genome position (GRCh38, 1-based): chr5:162,149,129, T>C. VCF-style: chr5-162149129-T-C. GRCh37 (hg19) VCF-style: chr5-161576135-T-C.
Other names: c.944T>C, p.Met315Thr (NM_000816.3); c.935T>C, p.Met312Thr (NM_001375339.1); c.941T>C, p.Met314Thr (NM_001375341.1, NM_001375342.1); c.1064T>C, p.Met355Thr (NM_001375343.1, NM_198903.2); c.983T>C, p.Met328Thr (NM_001375344.1); c.878T>C, p.Met293Thr (NM_001375345.1, NM_001375346.1); c.857T>C, p.Met286Thr (NM_001375347.1); c.524T>C, p.Met175Thr (NM_001375348.1, NM_001375350.1); and 2 more; short protein forms M175T, M220T, M286T, M293T, M312T, M314T, M315T, M328T.
Identifiers: ClinVar variation 2501942 (VCV002501942.1), dbSNP rs1489158656, ClinGen allele CA362182339.

ClinVar aggregate classification (germline): Uncertain significance (1 of 4 stars; one submission).

Submission:

GeneDx
Classification: Uncertain significance. Last evaluated: 2022-11-11. Review status: criteria provided, single submitter. Criteria: GeneDx Variant Classification Process June 2021. Collection method: clinical testing. Allele origin: germline. Affected: yes.
Comment: Not observed at significant frequency in large population cohorts (gnomAD); In silico analysis supports that this missense variant has a deleterious effect on protein structure/function; Has not been previously published as pathogenic or benign to our knowledge